The following is an entry in ClinVar:

NM_021098.3(CACNA1H):c.5059G>A (p.Ala1687Thr)

Gene: CACNA1H (calcium voltage-gated channel subunit alpha1 H; plus strand). Cytogenetic location: 16p13.3.
Variant type: single nucleotide variant.
Coding change: c.5059G>A on transcript NM_021098.3 (MANE Select); coding-DNA position 5059, G replaced by A.
Protein change: p.Ala1687Thr; replaces alanine 1687 with threonine.
Molecular consequence: missense variant.
Genome position (GRCh38, 1-based): chr16:1,215,261, G>A. VCF-style: chr16-1215261-G-A. GRCh37 (hg19) VCF-style: chr16-1265261-G-A.
Other names: c.5059G>A (NM_021098.2); c.5041G>A, p.Ala1681Thr (NM_001005407.2); short protein forms A1681T, A1687T.
Identifiers: ClinVar variation 1376046 (VCV001376046.9), dbSNP rs374276829, ClinGen allele CA7801778.

ClinVar aggregate classification (germline): Uncertain significance. Review status: criteria provided, multiple submitters, no conflicts (2 of 4 stars). 2 submissions from 2 submitters: Uncertain significance (2). Last evaluated 2025-05-20.

Conditions:
Idiopathic generalized epilepsy. Also called: EIG; Generalised epilepsy. Identifiers: MedGen C0270850, MONDO:0005579, OMIM 600669.
Hyperaldosteronism, familial, type IV (HALD4). Also called: FH IV; ALDOSTERONISM, PRIMARY, AND HYPERTENSION. Identifiers: Orphanet 642671, MedGen C4310756, MONDO:0014875, OMIM 617027.
Inborn genetic diseases. Identifiers: MedGen C0950123, MeSH D030342.

Allele frequency attached by ClinVar (database versions not stated): gnomAD 0.00001; gnomAD exomes 0.00002 and 0.00007; TOPMed 0.00002; ExAC 0.00003; ESP Exome Variant Server 0.00008.
gnomAD v4.1: 94 of 1,605,504 alleles (0.0059%); highest among the groups gnomAD compares: Non-Finnish European, 0.0079%; no homozygotes.

Submissions (2):

Ambry Genetics
Classification: Uncertain significance for Inborn genetic diseases. Last evaluated: 2025-05-20. Review status: criteria provided, single submitter. Criteria: Ambry Variant Classification Scheme 2023. Collection method: clinical testing. Allele origin: germline.

Labcorp Genetics (formerly Invitae), Labcorp
Classification: Uncertain significance for Idiopathic generalized epilepsy; Hyperaldosteronism, familial, type IV. Last evaluated: 2022-10-23. Review status: criteria provided, single submitter. Criteria: Invitae Variant Classification Sherloc (09022015). Collection method: clinical testing. Allele origin: germline.
Comment: In summary, the available evidence is currently insufficient to determine the role of this variant in disease. Therefore, it has been classified as a Variant of Uncertain Significance. Advanced modeling of protein sequence and biophysical properties (such as structural, functional, and spatial information, amino acid conservation, physicochemical variation, residue mobility, and thermodynamic stability) performed at Invitae indicates that this missense variant is not expected to disrupt CACNA1H protein function. ClinVar contains an entry for this variant (Variation ID: 1376046). This variant has not been reported in the literature in individuals affected with CACNA1H-related conditions. The frequency data for this variant in the population databases is considered unreliable, as metrics indicate poor data quality at this position in the gnomAD database. This sequence change replaces alanine, which is neutral and non-polar, with threonine, which is neutral and polar, at codon 1687 of the CACNA1H protein (p.Ala1687Thr).